The following is an entry in ClinVar:

NM_014862.4(ARNT2):c.792-9C>G

Gene: ARNT2 (aryl hydrocarbon receptor nuclear translocator 2; plus strand). Cytogenetic location: 15q25.1.
Variant type: single nucleotide variant.
Coding change: c.792-9C>G on transcript NM_014862.4 (MANE Select); 9 bases into the intron before coding-DNA position 792, C replaced by G.
Molecular consequence: intron variant.
Genome position (GRCh38, 1-based): chr15:80,514,311, C>G. VCF-style: chr15-80514311-C-G. GRCh37 (hg19) VCF-style: chr15-80806652-C-G.
Other names: c.792-9C>G (NM_014862.3).
Identifiers: ClinVar variation 1549266 (VCV001549266.10), dbSNP rs201077405, ClinGen allele CA7691814.
Genomic context (GRCh38, chr15:80,514,311, plus strand): 5'-AGAGGAGTCATCAACATCCTTGCCTCACCCTCATGTGATGAAAACAATTTCACAAATGTT[C>G]TTTTTTAGGAATGGCCTTGGCCCTGTGAAAGAAGGAGAAGCCCAATATGCTGTGGTCCAC-3'

ClinVar aggregate classification (germline): Benign. Review status: criteria provided, single submitter (1 of 4 stars). 2 submissions from 2 submitters: Benign (1). 1 of the submissions does not count toward it. Last evaluated 2022-12-04.

Conditions:
ARNT2-related disorder. Also called: ARNT2-related condition.

Allele frequency attached by ClinVar (database versions not stated): gnomAD 0.00016 and 0.00017; gnomAD exomes 0.00017 and 0.00027; ExAC 0.00018; TOPMed 0.00019; ESP Exome Variant Server 0.00031.
gnomAD v4.1: 302 of 1,613,902 alleles (0.019%); highest among the groups gnomAD compares: Middle Eastern, 0.066%; no homozygotes.

Submissions (2):

Labcorp Genetics (formerly Invitae), Labcorp
Classification: Benign. Last evaluated: 2022-12-04. Review status: criteria provided, single submitter. Criteria: Invitae Variant Classification Sherloc (09022015). Collection method: clinical testing. Allele origin: germline.

PreventionGenetics, part of Exact Sciences
Classification: Likely benign for ARNT2-related condition. Last evaluated: 2019-03-06. Review status: no assertion criteria provided. Collection method: clinical testing. Allele origin: germline. Not counted in ClinVar's aggregate classification.
Comment: This variant is classified as likely benign based on ACMG/AMP sequence variant interpretation guidelines (Richards et al. 2015 PMID: 25741868, with internal and published modifications).